The following is an entry in ClinVar:

ClinVar aggregate classification (germline): Uncertain significance (1 of 4 stars; one submission).

Conditions:
Hereditary cancer-predisposing syndrome. Also called: Neoplastic Syndromes, Hereditary; Tumor predisposition; Hereditary Cancer Syndrome; Hereditary neoplastic syndrome. Identifiers: Orphanet 140162, MedGen C0027672, MeSH D009386, MONDO:0015356.

Submission:

Ambry Genetics
Classification: Uncertain significance for Hereditary cancer-predisposing syndrome. Last evaluated: 2019-08-21. Review status: criteria provided, single submitter. Criteria: Ambry Variant Classification Scheme 2023. Collection method: clinical testing. Allele origin: germline.
Comment: The p.F265L variant (also known as c.795T>G), located in coding exon 4 of the MSH6 gene, results from a T to G substitution at nucleotide position 795. The phenylalanine at codon 265 is replaced by leucine, an amino acid with highly similar properties. This amino acid position is highly conserved in available vertebrate species. In addition, the in silico prediction for this alteration is inconclusive. Since supporting evidence is limited at this time, the clinical significance of this alteration remains unclear.

NM_000179.3(MSH6):c.795T>G (p.Phe265Leu)

Gene: MSH6 (mutS homolog 6; plus strand). Cytogenetic location: 2p16.3.
Variant type: single nucleotide variant.
Coding change: c.795T>G on transcript NM_000179.3 (MANE Select); coding-DNA position 795, T replaced by G.
Protein change: p.Phe265Leu; replaces phenylalanine 265 with leucine.
Molecular consequence: missense variant. On other transcripts: 5 prime UTR variant (2).
Genome position (GRCh38, 1-based): chr2:47,798,778, T>G. VCF-style: chr2-47798778-T-G. GRCh37 (hg19) VCF-style: chr2-48025917-T-G.
Other names: c.270T>G, p.Phe90Leu (NM_001406799.1, NM_001406806.1, NM_001406807.1); c.498T>G, p.Phe166Leu (NM_001406805.1, NM_001406801.1, NM_001406797.1 and 10 more transcripts); c.891T>G, p.Phe297Leu (NM_001406802.1, NM_001406795.1); c.795T>G, p.Phe265Leu (NM_001406800.1, NM_001406803.1, NM_001406796.1 and 4 more transcripts); c.717T>G, p.Phe239Leu (NM_001406804.1); c.405T>G, p.Phe135Leu (NM_001281492.2); c.-112T>G (NM_001281493.2, NM_001281494.2, NM_001406811.1 and 6 more transcripts); c.801T>G, p.Phe267Leu (NM_001406813.1); and 1 more; short protein forms F135L, F166L, F239L, F297L, F267L, F209L, F265L, F90L.
Identifiers: ClinVar variation 1761407 (VCV001761407.2), dbSNP rs2530571832, ClinGen allele CA346740304.